The following is an entry in ClinVar:

NC_000012.12:g.121626879_121626882delinsGCCGT

Genes: ORAI1 (ORAI calcium release-activated calcium modulator 1; plus strand), LOC130008987 (ATAC-STARR-seq lymphoblastoid silent region 4981; plus strand). Cytogenetic location: 12q24.31.
Variant type: Indel.
Genome position: GRCh38 VCF-style: chr12-121626879-ACCG-GCCGT. GRCh37 (hg19) VCF-style: chr12-122064785-ACCG-GCCGT.
Other names: c.132_135delACCGinsGCCGT, p.Pro46Serfs (NM_032790.4); short protein forms P46fs.
Identifiers: ClinVar variation 949000 (VCV000949000.10), dbSNP rs1892790744, ClinGen allele CA1139662946.

ClinVar aggregate classification (germline): Uncertain significance (1 of 4 stars; one submission).

Conditions:
Combined immunodeficiency due to ORAI1 deficiency. Also called: IMMUNODEFICIENCY 9. Identifiers: Orphanet 169090, Orphanet 317428, MedGen C2748568, MONDO:0013007, OMIM 612782.
Myopathy, tubular aggregate, 2 (TAM2). Identifiers: MedGen C4014557, MONDO:0014383, OMIM 615883.

Submission:

Labcorp Genetics (formerly Invitae), Labcorp
Classification: Uncertain significance for Myopathy, tubular aggregate, 2; Combined immunodeficiency due to ORAI1 deficiency. Last evaluated: 2022-02-05. Review status: criteria provided, single submitter. Criteria: Invitae Variant Classification Sherloc (09022015). Collection method: clinical testing. Allele origin: germline.
Comment: In summary, the available evidence is currently insufficient to determine the role of this variant in disease. Therefore, it has been classified as a Variant of Uncertain Significance. ClinVar contains an entry for this variant (Variation ID: 949000). This variant has not been reported in the literature in individuals affected with ORAI1-related conditions. This variant is not present in population databases (gnomAD no frequency). This sequence change creates a premature translational stop signal (p.Pro46Serfs*42) in the ORAI1 gene. However, it is currently unclear if variants that occur in this region of the gene cause disease.